The following is an entry in ClinVar:

ClinVar aggregate classification (germline): Likely pathogenic. Review status: criteria provided, single submitter (1 of 4 stars). 2 submissions from 2 submitters: Likely pathogenic (1). 1 of the submissions does not count toward it. Last evaluated 2021-12-07.

Conditions:
PMM2-congenital disorder of glycosylation. Also called: JAEKEN SYNDROME; PHOSPHOMANNOMUTASE 2 DEFICIENCY; CDG Ia; CARBOHYDRATE-DEFICIENT GLYCOPROTEIN SYNDROME, TYPE Ia; Congenital disorder of glycosylation, type Ia; PMM2-CDG. Identifiers: Orphanet 79318, MedGen C0349653, MONDO:0008907, OMIM 212065.

Allele frequency attached by ClinVar (database versions not stated): TOPMed below 0.00001.

Submissions (2):

Labcorp Genetics (formerly Invitae), Labcorp
Classification: Likely pathogenic for PMM2-congenital disorder of glycosylation. Last evaluated: 2021-12-07. Review status: criteria provided, single submitter. Criteria: Invitae Variant Classification Sherloc (09022015). Collection method: clinical testing. Allele origin: germline.
Comment: This sequence change replaces glycine, which is neutral and non-polar, with arginine, which is basic and polar, at codon 117 of the PMM2 protein (p.Gly117Arg). This variant is not present in population databases (gnomAD no frequency). This missense change has been observed in individual(s) with congenital disorder of glycosylation (PMID: 9781039). In at least one individual the data is consistent with being in trans (on the opposite chromosome) from a pathogenic variant. ClinVar contains an entry for this variant (Variation ID: 7713). Algorithms developed to predict the effect of missense changes on protein structure and function (SIFT, PolyPhen-2, Align-GVGD) all suggest that this variant is likely to be disruptive. Experimental studies have shown that this missense change affects PMM2 function (PMID: 10602363). In summary, the currently available evidence indicates that the variant is pathogenic, but additional data are needed to prove that conclusively. Therefore, this variant has been classified as Likely Pathogenic.

OMIM
Classification: Pathogenic for CONGENITAL DISORDER OF GLYCOSYLATION, TYPE Ia. Last evaluated: 1998-07-01. Review status: no assertion criteria provided. Collection method: literature only. Allele origin: germline. Not counted in ClinVar's aggregate classification.

Literature cited by the submitters: PubMed 9781039 (cited by Labcorp Genetics (formerly Invitae), Labcorp and OMIM); PubMed 10602363 (cited by Labcorp Genetics (formerly Invitae), Labcorp).

NM_000303.3(PMM2):c.349G>C (p.Gly117Arg)

Gene: PMM2 (phosphomannomutase 2; plus strand). Cytogenetic location: 16p13.2.
Variant type: single nucleotide variant.
Coding change: c.349G>C on transcript NM_000303.3 (MANE Select); coding-DNA position 349, G replaced by C.
Protein change: p.Gly117Arg; replaces glycine 117 with arginine.
Molecular consequence: missense variant.
Genome position (GRCh38, 1-based): chr16:8,811,080, G>C. VCF-style: chr16-8811080-G-C. GRCh37 (hg19) VCF-style: chr16-8904937-G-C.
Other names: short protein forms G117R.
Identifiers: ClinVar variation 7713 (VCV000007713.6), dbSNP rs104894530, ClinGen allele CA254233.
Genomic context (GRCh38, chr16:8,811,080, plus strand): 5'-TATGTTGCCCAAATGAATAACGTGTTTTTGGAGAAACTCTGTCACCCTTTCATTCCCAGG[G>C]GTACTTTCATTGAATTCCGAAATGGGATGTTAAACGTGTCCCCTATTGGAAGAAGCTGCA-3'
Protein context (NP_000294.1, residues 107-127): IAKIKLPKKR[Gly117Arg]TFIEFRNGML